The following is an entry in ClinVar:

ClinVar aggregate classification (germline): Benign. Review status: criteria provided, multiple submitters, no conflicts (2 of 4 stars). 2 submissions from 2 submitters: Benign (2). Last evaluated 2023-10-25.

Conditions:
Early onset severe obesity. Identifiers: MedGen C4013980.

Submissions (2):

Cambridge Genomics Laboratory, East Genomic Laboratory Hub, NHS Genomic Medicine Service
Classification: Benign for Severe early-onset obesity. Last evaluated: 2023-10-25. Review status: criteria provided, single submitter. Criteria: ACGS Best Practice Guidelines for Variant Classification in Rare Disease 2020. Collection method: clinical testing. Allele origin: germline. Affected: yes.
Comment: The 3' UTR variant NM_002303.5(LEPR):c.*60_*61insCTTTA has been reported to ClinVar as Benign/Likely benign with a status of (2 stars) criteria provided, multiple submitters, no conflicts (Variation ID 298004 as of 2023-10-05). (BP6 - Supporting) | The variant is observed in one or more well-documented healthy adults. (BS2 - Strong) | The c.*60_*61insCTTTA variant is observed in 1.182/5.008 (23.6022%) alleles from individuals of 1kG All background in 1kG All. The c.*60_*61insCTTTA variant is observed in 1.615/4.826 (33.4646%) alleles from individuals of gnomAD Genomes v3 South Asian background in gnomAD Genomes v3, indicating it is a common benign variant. (BA1 - Standalone)

GeneDx
Classification: Benign. Last evaluated: 2019-09-29. Review status: criteria provided, single submitter. Criteria: GeneDx Variant Classification Process June 2021. Collection method: clinical testing. Allele origin: germline. Affected: yes.

NM_002303.6(LEPR):c.*60_*61insCTTTA

Gene: LEPR (leptin receptor; plus strand). Cytogenetic location: 1p31.3.
Variant type: Insertion.
Coding change: c.*60_*61insCTTTA on transcript NM_002303.6 (MANE Select); 60 bases downstream of the stop codon through 61 bases downstream of the stop codon, CTTTA inserted.
Molecular consequence: 3 prime UTR variant.
Genome position: GRCh38 VCF-style: chr1-65637072-A-ATTACT. GRCh37 (hg19) VCF-style: chr1-66102755-A-ATTACT.
Identifiers: ClinVar variation 298004 (VCV000298004.7), dbSNP rs75054066, ClinGen allele CA10611613.